The following is an entry in ClinVar:

ClinVar aggregate classification (germline): Uncertain significance. Review status: criteria provided, multiple submitters, no conflicts (2 of 4 stars). 2 submissions from 2 submitters: Uncertain significance (2). Last evaluated 2023-08-01.

Conditions:
Beckwith-Wiedemann syndrome (BWS). Also called: Exomphalos macroglossia gigantism syndrome; EMG SYNDROME. Identifiers: Orphanet 116, MedGen C0004903, MONDO:0007534, OMIM 130650.

Submissions (2):

Labcorp Genetics (formerly Invitae), Labcorp
Classification: Uncertain significance for Beckwith-Wiedemann syndrome. Last evaluated: 2023-08-01. Review status: criteria provided, single submitter. Criteria: Invitae Variant Classification Sherloc (09022015). Collection method: clinical testing. Allele origin: germline.
Comment: In summary, the available evidence is currently insufficient to determine the role of this variant in disease. Therefore, it has been classified as a Variant of Uncertain Significance. Variants that disrupt the consensus splice site are a relatively common cause of aberrant splicing (PMID: 17576681, 9536098). Algorithms developed to predict the effect of sequence changes on RNA splicing suggest that this variant may disrupt the consensus splice site. ClinVar contains an entry for this variant (Variation ID: 1944713). This variant has not been reported in the literature in individuals affected with CDKN1C-related conditions. This variant is not present in population databases (gnomAD no frequency). This sequence change falls in intron 1 of the CDKN1C gene. It does not directly change the encoded amino acid sequence of the CDKN1C protein. It affects a nucleotide within the consensus splice site.

Revvity Omics, Revvity
Classification: Uncertain significance. Last evaluated: 2019-12-09. Review status: criteria provided, single submitter. Criteria: ACMG Guidelines, 2015. Collection method: clinical testing. Allele origin: germline.

Literature cited by the submitters: PubMed 17576681 (cited by Labcorp Genetics (formerly Invitae), Labcorp); PubMed 9536098 (cited by Labcorp Genetics (formerly Invitae), Labcorp).

NM_001122630.2(CDKN1C):c.787+5G>A

Gene: CDKN1C (cyclin dependent kinase inhibitor 1C; minus strand). Cytogenetic location: 11p15.4.
Variant type: single nucleotide variant.
Coding change: c.787+5G>A on transcript NM_001122630.2 (MANE Select); 5 bases into the intron after coding-DNA position 787, G replaced by A.
Molecular consequence: intron variant.
Genome position (GRCh38, 1-based): chr11:2,884,665, C>T on the plus strand (G>A on the coding strand, the complement: CDKN1C is on the minus strand). VCF-style: chr11-2884665-C-T. GRCh37 (hg19) VCF-style: chr11-2905895-C-T.
Other names: c.256-531G>A (NM_001362475.2); c.787+5G>A (NM_001122631.2); c.820+5G>A (NM_001362474.2, NM_000076.2).
Identifiers: ClinVar variation 1944713 (VCV001944713.8), dbSNP rs2494383007, ClinGen allele CA2580082650.